The following is an entry in ClinVar:

NM_001243279.3(ACSF3):c.1126+5G>C

Genes: ACSF3 (acyl-CoA synthetase family member 3; plus strand), LOC125177393 (P300/CBP strongly-dependent group 1 enhancer GRCh37_chr16:89180375-89181574; plus strand). Cytogenetic location: 16q24.3.
Variant type: single nucleotide variant.
Coding change: c.1126+5G>C on transcript NM_001243279.3 (MANE Select); 5 bases into the intron after coding-DNA position 1126, G replaced by C.
Molecular consequence: intron variant.
Genome position (GRCh38, 1-based): chr16:89,114,492, G>C. VCF-style: chr16-89114492-G-C. GRCh37 (hg19) VCF-style: chr16-89180900-G-C.
Other names: c.1126+5G>C (NM_001127214.4, NM_174917.5); c.331+5G>C (NM_001284316.2).
Identifiers: ClinVar variation 2062829 (VCV002062829.3), dbSNP rs371622529, ClinGen allele CA8237979.

ClinVar aggregate classification (germline): Uncertain significance. Review status: criteria provided, multiple submitters, no conflicts (2 of 4 stars). 2 submissions from 2 submitters: Uncertain significance (2). Last evaluated 2025-01-29.

Conditions:
Combined malonic and methylmalonic acidemia. Identifiers: Orphanet 289504, MedGen C3280314, MONDO:0013661, OMIM 614265.

Allele frequency attached by ClinVar (database versions not stated): ESP Exome Variant Server 0.00023.
gnomAD v4.1: 35 of 1,610,620 alleles (0.0022%); highest among the groups gnomAD compares: African/African-American, 0.043%; no homozygotes.

Submissions (2):

Women's Health and Genetics/Laboratory Corporation of America, LabCorp
Classification: Uncertain significance. Last evaluated: 2025-01-29. Review status: criteria provided, single submitter. Criteria: LabCorp Variant Classification Summary - May 2015. Collection method: clinical testing. Allele origin: germline.

Labcorp Genetics (formerly Invitae), Labcorp
Classification: Uncertain significance for Combined malonic and methylmalonic acidemia. Last evaluated: 2022-04-11. Review status: criteria provided, single submitter. Criteria: Invitae Variant Classification Sherloc (09022015). Collection method: clinical testing. Allele origin: germline.
Comment: This sequence change falls in intron 6 of the ACSF3 gene. It does not directly change the encoded amino acid sequence of the ACSF3 protein. It affects a nucleotide within the consensus splice site. This variant is present in population databases (rs371622529, gnomAD 0.05%). This variant has not been reported in the literature in individuals affected with ACSF3-related conditions. Variants that disrupt the consensus splice site are a relatively common cause of aberrant splicing (PMID: 17576681, 9536098). Algorithms developed to predict the effect of sequence changes on RNA splicing suggest that this variant may disrupt the consensus splice site. In summary, the available evidence is currently insufficient to determine the role of this variant in disease. Therefore, it has been classified as a Variant of Uncertain Significance.

Literature cited by the submitters: PubMed 17576681 (cited by Labcorp Genetics (formerly Invitae), Labcorp); PubMed 9536098 (cited by Labcorp Genetics (formerly Invitae), Labcorp).